The following is an entry in ClinVar:

ClinVar aggregate classification (germline): Likely pathogenic (1 of 4 stars; one submission).

Conditions:
Holocarboxylase synthetase deficiency. Also called: MULTIPLE CARBOXYLASE DEFICIENCY, EARLY ONSET. Identifiers: Orphanet 79242, MedGen C0268581, MONDO:0009666, OMIM 253270.

Submission:

Natera, Inc.
Classification: Likely pathogenic for Holocarboxylase synthetase deficiency. Last evaluated: 2025-02-17. Review status: criteria provided, single submitter. Criteria: Natera Variant Classification Schema (03/2026). Collection method: clinical testing. Allele origin: germline.
Comment: The c.824delinsGG variant in HLCS is a frameshift variant predicted to shift the reading frame beginning at codon 275 and leads to a stop codon 2 codons downstream. This variant is expected to result in nonsense mediated decay, truncation, or a dysfunctional protein product. This variant is rare in the general population with a frequency below the threshold expected for the associated phenotype(s). Given the available evidence, this variant is classified as Likely Pathogenic.

NM_001352514.2(HLCS):c.1265delinsGG (p.Ala422fs)

Gene: HLCS (holocarboxylase synthetase; minus strand). Cytogenetic location: 21q22.13.
Variant type: Indel.
Coding change: c.1265delinsGG on transcript NM_001352514.2 (MANE Select); coding-DNA position 1265, C replaced by GG.
Protein change: p.Ala422fs; shifts the reading frame from alanine 422.
Molecular consequence: frameshift variant. On other transcripts: non-coding transcript variant (2).
Genome position (GRCh38, 1-based): chr21:36,936,621, G replaced by CC on the plus strand (C replaced by GG on the coding strand, the reverse complement: HLCS is on the minus strand). VCF-style: chr21-36936621-G-CC. GRCh37 (hg19) VCF-style: chr21-38308921-G-CC.
Other names: c.824delinsGG, p.Ala275fs (NM_000411.8, NM_001242784.3, NM_001242785.2 and 4 more transcripts); short protein forms A275fs, A422fs.
Identifiers: ClinVar variation 4818332 (VCV004818332.1).